The following is an entry in ClinVar:

NM_015311.3(OBSL1):c.4093G>T (p.Glu1365Ter)

Gene: OBSL1 (obscurin like cytoskeletal adaptor 1; minus strand). Cytogenetic location: 2q35.
Variant type: single nucleotide variant.
Coding change: c.4093G>T on transcript NM_015311.3 (MANE Select); coding-DNA position 4093, G replaced by T.
Protein change: p.Glu1365Ter; replaces glutamic acid 1365 with a stop codon.
Molecular consequence: nonsense.
Genome position (GRCh38, 1-based): chr2:219,556,697, C>A on the plus strand (G>T on the coding strand, the complement: OBSL1 is on the minus strand). VCF-style: chr2-219556697-C-A. GRCh37 (hg19) VCF-style: chr2-220421419-C-A.
Other names: c.4093G>T, p.Glu1365Ter (NM_001173431.2); short protein forms E1365*.
Identifiers: ClinVar variation 1323381 (VCV001323381.9), dbSNP rs760566452, ClinGen allele CA2130664.

ClinVar aggregate classification (germline): Uncertain significance (1 of 4 stars; one submission).

Allele frequency attached by ClinVar (database versions not stated): ExAC 0.00001; gnomAD 0.00001; gnomAD exomes 0.00001; TOPMed 0.00001.
gnomAD v4.1: 4 of 1,604,260 alleles (0.00025%); highest among the groups gnomAD compares: African/African-American, 0.004%; no homozygotes.

Submission:

Labcorp Genetics (formerly Invitae), Labcorp
Classification: Uncertain significance. Last evaluated: 2021-03-02. Review status: criteria provided, single submitter. Criteria: Invitae Variant Classification Sherloc (09022015). Collection method: clinical testing. Allele origin: germline.
Comment: This sequence change creates a premature translational stop signal (p.Glu1365*) in the OBSL1 gene. However, it is currently unclear if variants that occur in this region of the gene cause disease. This variant is present in population databases (rs760566452, ExAC 0.007%). This variant has not been reported in the literature in individuals with OBSL1-related conditions. In summary, the available evidence is currently insufficient to determine the role of this variant in disease. Therefore, it has been classified as a Variant of Uncertain Significance.